The following is an entry in ClinVar:

ClinVar aggregate classification (germline): Uncertain significance. Review status: criteria provided, multiple submitters, no conflicts (2 of 4 stars). 3 submissions from 3 submitters: Uncertain significance (3). Last evaluated 2025-04-01.

Conditions:
Hereditary cancer-predisposing syndrome. Also called: Neoplastic Syndromes, Hereditary; Tumor predisposition; Hereditary neoplastic syndrome; Hereditary Cancer Syndrome. Identifiers: Orphanet 140162, MedGen C0027672, MeSH D009386, MONDO:0015356.
Baller-Gerold syndrome (BGS). Also called: CRANIOSYNOSTOSIS WITH RADIAL DEFECTS. Identifiers: Orphanet 1225, MedGen C0265308, MONDO:0009039, OMIM 218600.

Allele frequency attached by ClinVar (database versions not stated): ExAC 0.00002; gnomAD exomes 0.00002.

Submissions (3):

Labcorp Genetics (formerly Invitae), Labcorp
Classification: Uncertain significance for Baller-Gerold syndrome. Last evaluated: 2025-04-01. Review status: criteria provided, single submitter. Criteria: Invitae Variant Classification Sherloc (09022015). Collection method: clinical testing. Allele origin: germline.
Comment: This sequence change replaces proline, which is neutral and non-polar, with arginine, which is basic and polar, at codon 950 of the RECQL4 protein (p.Pro950Arg). This variant is present in population databases (rs769664095, gnomAD 0.007%). This variant has not been reported in the literature in individuals affected with RECQL4-related conditions. ClinVar contains an entry for this variant (Variation ID: 239748). Invitae Evidence Modeling of protein sequence and biophysical properties (such as structural, functional, and spatial information, amino acid conservation, physicochemical variation, residue mobility, and thermodynamic stability) indicates that this missense variant is expected to disrupt RECQL4 protein function with a positive predictive value of 80%. In summary, the available evidence is currently insufficient to determine the role of this variant in disease. Therefore, it has been classified as a Variant of Uncertain Significance.

GeneDx
Classification: Uncertain significance. Last evaluated: 2022-04-26. Review status: criteria provided, single submitter. Criteria: GeneDx Variant Classification Process June 2021. Collection method: clinical testing. Allele origin: germline. Affected: yes.
Comment: In silico analysis supports that this missense variant does not alter protein structure/function; Has not been previously published as pathogenic or benign to our knowledge

Sema4
Classification: Uncertain significance for Hereditary cancer-predisposing syndrome. Last evaluated: 2022-03-21. Review status: criteria provided, single submitter. Criteria: Sema4 Curation Guidelines. Collection method: curation. Allele origin: germline.
Comment: The RECQL4 c.2849C>G (p.P950R) variant has not been reported in the literature to our knowledge. This variant was observed in 1/15262 chromosomes in the African/African American population according to the Genome Aggregation Database (PMID: 32461654). The variant has been reported in ClinVar (Variation ID: 239748). In silico tools suggest the impact of the variant on protein function is benign, though these predictions have not been confirmed by functional studies. The evidence is insufficient to meet ACMG/AMP criteria for classifying the variant as benign or pathogenic. Thus, the clinical significance of this variant is currently uncertain.

NM_004260.4(RECQL4):c.2849C>G (p.Pro950Arg)

Gene: RECQL4 (RecQ like helicase 4; minus strand). Cytogenetic location: 8q24.3.
Variant type: single nucleotide variant.
Coding change: c.2849C>G on transcript NM_004260.4 (MANE Select); coding-DNA position 2849, C replaced by G.
Protein change: p.Pro950Arg; replaces proline 950 with arginine.
Molecular consequence: missense variant.
Genome position (GRCh38, 1-based): chr8:144,512,678, G>C on the plus strand (C>G on the coding strand, the complement: RECQL4 is on the minus strand). VCF-style: chr8-144512678-G-C. GRCh37 (hg19) VCF-style: chr8-145738061-G-C.
Other names: short protein forms P950R.
Identifiers: ClinVar variation 239748 (VCV000239748.11), dbSNP rs769664095, ClinGen allele CA4948053.